The following is an entry in ClinVar:

NM_007315.4(STAT1):c.462+8_462+14del

Gene: STAT1 (signal transducer and activator of transcription 1; minus strand). Cytogenetic location: 2q32.2.
Variant type: Deletion.
Coding change: c.462+8_462+14del on transcript NM_007315.4 (MANE Select); bases 8 to 14 of the intron after coding-DNA position 462, 7 bases deleted (TTGAGTA; older notation c.462+8_462+14delTTGAGTA).
Molecular consequence: splice donor variant. On other transcripts: intron variant (1).
Genome position (GRCh38, 1-based): chr2:191,001,060-191,001,066, TACTCAA deleted on the plus strand (TTGAGTA on the coding strand, the reverse complement: STAT1 is on the minus strand); deleting any 7 consecutive bases within chr2:191,001,060-191,001,072 gives the same sequence; the c. name uses the placement nearest the transcript's 3' end. VCF-style (leftmost placement, unchanged base first): chr2-191001059-TTACTCAA-T. GRCh37 (hg19) VCF-style: chr2-191865785-TTACTCAA-T.
Other names: c.462+8_462+14del (NM_001437284.1, NM_001384883.1, NM_001384885.1 and 7 more transcripts); c.373-1362_373-1356del (NM_001384890.1); c.498+8_498+14del (NM_001384891.1); c.468+8_468+14del (NM_001384884.1, NM_001384881.1).
Identifiers: ClinVar variation 4085532 (VCV004085532.8).
Genomic context (GRCh38, chr2:191,001,059, plus strand): 5'-CACCCCAAGCAATTGAAACCTTTTTTCCCCTACAGAAAGTTTCAGAATAAATGCATGTGT[TTACTCAA>T]TACTCACCATAACCTTGTCCTTCACATTTCTGACTTTACTGTCAAGCTCTTTCTGTTTGT-3'

ClinVar aggregate classification (germline): Uncertain significance (1 of 4 stars; one submission).

Submission:

CeGaT Center for Human Genetics Tuebingen
Classification: Uncertain significance. Last evaluated: 2025-07-01. Review status: criteria provided, single submitter. Criteria: CeGaT Center For Human Genetics Tuebingen Variant Classification Criteria Version 2. Collection method: clinical testing. Allele origin: germline. Affected: yes. Observed: 1 variant allele.
Comment: STAT1: PM2, BP4